The following is an entry in ClinVar:

ClinVar aggregate classification (germline): Likely pathogenic. Review status: criteria provided, multiple submitters, no conflicts (2 of 4 stars). 2 submissions from 2 submitters: Likely pathogenic (2). Last evaluated 2022-12-30.

Conditions:
Cerebroretinal microangiopathy with calcifications and cysts 1 (CRMCC1). Identifiers: Orphanet 313838, MedGen C4552029, MONDO:0024564, OMIM 612199.
Dyskeratosis congenita. Identifiers: Orphanet 1775, MedGen C0265965, MONDO:0015780.

Allele frequency attached by ClinVar (database versions not stated): TOPMed below 0.00001; gnomAD 0.00001; gnomAD exomes 0.00001.
gnomAD v4.1: 21 of 1,551,694 alleles (0.0014%); highest among the groups gnomAD compares: Non-Finnish European, 0.0016%; no homozygotes.

Submissions (2):

Labcorp Genetics (formerly Invitae), Labcorp
Classification: Likely pathogenic for Dyskeratosis congenita. Last evaluated: 2022-12-30. Review status: criteria provided, single submitter. Criteria: Invitae Variant Classification Sherloc (09022015). Collection method: clinical testing. Allele origin: germline.
Comment: This sequence change affects a donor splice site in intron 10 of the CTC1 gene. It is expected to disrupt RNA splicing. Variants that disrupt the donor or acceptor splice site typically lead to a loss of protein function (PMID: 16199547), and loss-of-function variants in CTC1 are known to be pathogenic (PMID: 22267198, 22387016). This variant is present in population databases (rs773716148, gnomAD 0.003%). This variant has not been reported in the literature in individuals affected with CTC1-related conditions. ClinVar contains an entry for this variant (Variation ID: 1324186). Algorithms developed to predict the effect of sequence changes on RNA splicing suggest that this variant may disrupt the consensus splice site. In summary, the currently available evidence indicates that the variant is pathogenic, but additional data are needed to prove that conclusively. Therefore, this variant has been classified as Likely Pathogenic.

Revvity Omics, Revvity
Classification: Likely pathogenic for Cerebroretinal microangiopathy with calcifications and cysts 1. Last evaluated: 2021-06-04. Review status: criteria provided, single submitter. Criteria: ACMG Guidelines, 2015. Collection method: clinical testing. Allele origin: germline.

Literature cited by the submitters: PubMed 16199547 (cited by Labcorp Genetics (formerly Invitae), Labcorp); PubMed 22267198 (cited by Labcorp Genetics (formerly Invitae), Labcorp); PubMed 22387016 (cited by Labcorp Genetics (formerly Invitae), Labcorp).

NM_025099.6(CTC1):c.1818+1G>A

Gene: CTC1 (CST telomere replication complex component 1; minus strand). Cytogenetic location: 17p13.1.
Variant type: single nucleotide variant.
Coding change: c.1818+1G>A on transcript NM_025099.6 (MANE Select); the canonical splice donor site of the intron after coding-DNA position 1818, G replaced by A.
Molecular consequence: splice donor variant.
Genome position (GRCh38, 1-based): chr17:8,234,454, C>T on the plus strand (G>A on the coding strand, the complement: CTC1 is on the minus strand). VCF-style: chr17-8234454-C-T. GRCh37 (hg19) VCF-style: chr17-8137772-C-T.
Other names: c.1818+1G>A (NM_001411067.1).
Identifiers: ClinVar variation 1324186 (VCV001324186.7), dbSNP rs773716148, ClinGen allele CA8372258.
Genomic context (GRCh38, chr17:8,234,454, plus strand): 5'-GTCGTGGCAATAAGGATGACAAAAAGGGAAATCACCTGAGCCCTGCTAGGGTCCCCCTTA[C>T]CTGGGCTGGGCAGAAGGCAGAGGGCAGCAGACAGAGCCAGGACCAAGCCAGGCGGCGATT-3'